The following is an entry in ClinVar:

ClinVar aggregate classification (germline): Benign/Likely benign. Review status: criteria provided, multiple submitters, no conflicts (2 of 4 stars). 12 submissions from 12 submitters: Benign (4); Likely benign (7). 1 of the submissions does not count toward it. Last evaluated 2026-03-01.

Conditions:
Hereditary cancer-predisposing syndrome. Also called: Tumor predisposition; Hereditary neoplastic syndrome; Hereditary Cancer Syndrome; Neoplastic Syndromes, Hereditary. Identifiers: Orphanet 140162, MedGen C0027672, MeSH D009386, MONDO:0015356.
Fanconi anemia (FA). Also called: Fanconi's anemia. Identifiers: Orphanet 84, MedGen C0015625, MeSH D005199, MONDO:0019391.
Fanconi anemia complementation group C (FANCC). Also called: Fanconi anemia, group C; FANCC-Related Fanconi Anemia; FANCONI PANCYTOPENIA, TYPE 3; FACC. Identifiers: Orphanet 84, MedGen C3468041, MONDO:0009213, OMIM 227645.

Allele frequency attached by ClinVar (database versions not stated): gnomAD exomes 0.00048; ExAC 0.00076; TOPMed 0.00139; gnomAD 0.00151 and 0.00154; ESP Exome Variant Server 0.00169; 1000 Genomes Project 0.00300; 1000 Genomes Project 30x 0.00328.
gnomAD v4.1: 529 of 1,613,856 alleles (0.033%); highest among the groups gnomAD compares: African/African-American, 0.48%; 1 homozygote.

Submissions (12):

CeGaT Center for Human Genetics Tuebingen
Classification: Likely benign. Last evaluated: 2026-03-01. Review status: criteria provided, single submitter. Criteria: CeGaT Center For Human Genetics Tuebingen Variant Classification Criteria Version 2. Collection method: clinical testing. Allele origin: germline. Affected: yes. Observed: 5 variant alleles.
Comment: FANCC: BP4, BP7

Labcorp Genetics (formerly Invitae), Labcorp
Classification: Benign for Fanconi anemia. Last evaluated: 2026-02-03. Review status: criteria provided, single submitter. Criteria: Invitae Variant Classification Sherloc (09022015). Collection method: clinical testing. Allele origin: germline.

ARUP Laboratories, Molecular Genetics and Genomics, ARUP Laboratories
Classification: Benign for Fanconi anemia complementation group C. Last evaluated: 2025-05-21. Review status: criteria provided, single submitter. Criteria: ARUP Molecular Germline Variant Investigation Process 2024. Collection method: clinical testing. Allele origin: germline.

Blueprint Genetics
Classification: Likely benign. Last evaluated: 2024-06-11. Review status: criteria provided, single submitter. Criteria: ACMG Guidelines, 2015. Collection method: clinical testing. Allele origin: germline.

Department of Pathology and Laboratory Medicine, Sinai Health System
Classification: Likely benign for Fanconi anemia complementation group C. Last evaluated: 2021-03-16. Review status: criteria provided, single submitter. Criteria: ACMG Guidelines, 2015. Collection method: clinical testing. Allele origin: germline. Affected: yes.

Sema4
Classification: Likely benign for Fanconi anemia. Last evaluated: 2021-02-04. Review status: criteria provided, single submitter. Criteria: Sema4 Curation Guidelines. Collection method: curation. Allele origin: germline.

Genetic Services Laboratory, University of Chicago
Classification: Likely benign. Last evaluated: 2019-06-11. Review status: criteria provided, single submitter. Criteria: ACMG Guidelines, 2015. Collection method: clinical testing. Allele origin: germline. Affected: no.

Women's Health and Genetics/Laboratory Corporation of America, LabCorp
Classification: Benign. Last evaluated: 2018-11-30. Review status: criteria provided, single submitter. Criteria: LabCorp Variant Classification Summary - May 2015. Collection method: clinical testing. Allele origin: germline.
Comment: Variant summary: FANCC c.840G>A alters a non-conserved nucleotide resulting in a synonymous change. 5/5 computational tools predict no significant impact on normal splicing. However, these predictions have yet to be confirmed by functional studies. The variant allele was found at a frequency of 0.00056 in 277166 control chromosomes, predominantly at a frequency of 0.0045 within the African subpopulation in the gnomAD database. The observed variant frequency within African control individuals in the gnomAD database is approximately 2.55 fold of the estimated maximal expected allele frequency for a pathogenic variant in FANCC causing Fanconi Anemia Group C phenotype (0.0018), strongly suggesting that the variant is a benign polymorphism found primarily in populations of African origin. To our knowledge, no occurrence of c.840G>A in individuals affected with Fanconi Anemia Group C and no experimental evidence demonstrating its impact on protein function have been reported. Two clinical diagnostic laboratories have submitted clinical-significance assessments for this variant to ClinVar after 2014 without evidence for independent evaluation. All laboratories classified the variant as benign/likely benign. Based on the evidence outlined above, the variant was classified as benign.

Ambry Genetics
Classification: Likely benign for Hereditary cancer-predisposing syndrome. Last evaluated: 2016-11-17. Review status: criteria provided, single submitter. Criteria: Ambry Variant Classification Scheme 2023. Collection method: clinical testing. Allele origin: germline.

GeneDx
Classification: Benign. Last evaluated: 2014-01-09. Review status: criteria provided, single submitter. Criteria: GeneDx Variant Classification (06012015). Collection method: clinical testing. Allele origin: germline. Affected: yes.
Comment: This variant is considered likely benign or benign based on one or more of the following criteria: it is a conservative change, it occurs at a poorly conserved position in the protein, it is predicted to be benign by multiple in silico algorithms, and/or has population frequency not consistent with disease.

Breakthrough Genomics
Classification: Likely benign. Review status: criteria provided, single submitter. Criteria: ACMG Guidelines, 2015. Collection method: not provided. Allele origin: germline. Inheritance: Autosomal recessive inheritance. Affected: yes.

Natera, Inc.
Classification: Likely benign for Fanconi anemia. Last evaluated: 2017-05-10. Review status: no assertion criteria provided. Collection method: clinical testing. Allele origin: germline. Not counted in ClinVar's aggregate classification.

NM_000136.3(FANCC):c.840G>A (p.Ser280=)

Genes: AOPEP (aminopeptidase O (putative); plus strand), FANCC (FA complementation group C; minus strand). Cytogenetic location: 9q22.32.
Variant type: single nucleotide variant.
Coding change: c.840G>A on transcript NM_000136.3 (MANE Select); coding-DNA position 840, G replaced by A.
Protein change: p.Ser280=; no amino-acid change (serine 280 retained).
Molecular consequence: synonymous variant.
Genome position (GRCh38, 1-based): chr9:95,135,349, C>T on the plus strand (G>A on the coding strand, the complement: FANCC is on the minus strand). VCF-style: chr9-95135349-C-T. GRCh37 (hg19) VCF-style: chr9-97897631-C-T.
Other names: p.S280S:TCG>TCA; c.840G>A, p.Ser280= (NM_001243743.2, NM_001243744.2).
Identifiers: ClinVar variation 137278 (VCV000137278.52), dbSNP rs34671520, ClinGen allele CA290818.